The following is an entry in ClinVar:

ClinVar aggregate classification (germline): Uncertain significance (1 of 4 stars; one submission).

Submission:

GeneDx
Classification: Uncertain significance. Last evaluated: 2022-03-18. Review status: criteria provided, single submitter. Criteria: GeneDx Variant Classification Process June 2021. Collection method: clinical testing. Allele origin: germline. Affected: yes.
Comment: Has not been previously published as pathogenic or benign to our knowledge; Not observed at significant frequency in large population cohorts (gnomAD); In silico analysis supports that this missense variant has a deleterious effect on protein structure/function; Occurs in the triple helical domain at the Y position in the canonical Gly-X-Y repeat; although this variant may have an effect on normal protein folding and function, missense substitution at the Y position is not a common mechanism of disease

NM_001845.6(COL4A1):c.719C>A (p.Pro240Gln)

Gene: COL4A1 (collagen type IV alpha 1 chain; minus strand). Cytogenetic location: 13q34.
Variant type: single nucleotide variant.
Coding change: c.719C>A on transcript NM_001845.6 (MANE Select); coding-DNA position 719, C replaced by A.
Protein change: p.Pro240Gln; replaces proline 240 with glutamine.
Molecular consequence: missense variant.
Genome position (GRCh38, 1-based): chr13:110,207,464, G>T on the plus strand (C>A on the coding strand, the complement: COL4A1 is on the minus strand). VCF-style: chr13-110207464-G-T. GRCh37 (hg19) VCF-style: chr13-110859811-G-T.
Other names: c.719C>A, p.Pro240Gln (NM_001303110.2); short protein forms P240Q.
Identifiers: ClinVar variation 1675227 (VCV001675227.2), dbSNP rs2139199218, ClinGen allele CA388725164.